The following is an entry in ClinVar:

ClinVar aggregate classification (germline): Likely pathogenic (1 of 4 stars; one submission).

Conditions:
Autosomal recessive limb-girdle muscular dystrophy type 2J (LGMDR10). Also called: Limb-girdle muscular dystrophy, type 2J; MUSCULAR DYSTROPHY, LIMB-GIRDLE, AUTOSOMAL RECESSIVE 10. Identifiers: Orphanet 140922, MedGen C1837342, MONDO:0012127, OMIM 608807.
Dilated cardiomyopathy 1G (CMD1G). Identifiers: Orphanet 154, MedGen C1858763, MONDO:0011400, OMIM 604145.

Submission:

Labcorp Genetics (formerly Invitae), Labcorp
Classification: Likely pathogenic for Dilated cardiomyopathy 1G; Autosomal recessive limb-girdle muscular dystrophy type 2J. Last evaluated: 2024-11-25. Review status: criteria provided, single submitter. Criteria: Invitae Variant Classification Sherloc (09022015). Collection method: clinical testing. Allele origin: germline.
Comment: This sequence change creates a premature translational stop signal (p.Gln9705*) in the TTN gene. While this is not anticipated to result in nonsense mediated decay, it is expected to create a truncated TTN protein. This variant is not present in population databases (gnomAD no frequency). This variant has not been reported in the literature in individuals affected with TTN-related conditions. This variant is located in the I band of TTN (PMID: 25589632). Truncating variants in this region have been reported in individuals affected with autosomal recessive centronuclear myopathy (PMID: 23975875, internal data). Truncating variants in this region have also been identified in individuals affected with autosomal dominant dilated cardiomyopathy and/or cardio-related conditions (PMID: 27869827, 32964742, internal data). In summary, the currently available evidence indicates that the variant is pathogenic, but additional data are needed to prove that conclusively. Therefore, this variant has been classified as Likely Pathogenic.

Literature cited by the submitters: PubMed 25589632; PubMed 23975875; PubMed 27869827; PubMed 32964742.

NM_001267550.2(TTN):c.29113C>T (p.Gln9705Ter)

Gene: TTN (titin; minus strand). Cytogenetic location: 2q31.2.
Variant type: single nucleotide variant.
Coding change: c.29113C>T on transcript NM_001267550.2 (MANE Select); coding-DNA position 29113, C replaced by T.
Protein change: p.Gln9705Ter; replaces glutamine 9705 with a stop codon.
Molecular consequence: nonsense. On other transcripts: intron variant (3).
Genome position (GRCh38, 1-based): chr2:178,706,883, G>A on the plus strand (C>T on the coding strand, the complement: TTN is on the minus strand). VCF-style: chr2-178706883-G-A. GRCh37 (hg19) VCF-style: chr2-179571610-G-A.
Other names: c.28162C>T, p.Gln9388Ter (NM_001256850.1); c.25381C>T, p.Gln8461Ter (NM_133378.4); c.13282+31199C>T (NM_003319.4); c.13858+31199C>T (NM_133437.4); c.13657+31199C>T (NM_133432.3); short protein forms Q8461*, Q9388*, Q9705*.
Identifiers: ClinVar variation 3752807 (VCV003752807.2).